The following is an entry in ClinVar:

NM_001365276.2(TNXB):c.6605_6608del (p.Val2202fs)

Gene: TNXB (tenascin XB; minus strand). Cytogenetic location: 6p21.33.
Variant type: Deletion.
Coding change: c.6605_6608del on transcript NM_001365276.2 (MANE Select); coding-DNA positions 6605 to 6608, 4 bases deleted (TGAG; older notation c.6605_6608delTGAG).
Protein change: p.Val2202fs; shifts the reading frame from valine 2202.
Molecular consequence: frameshift variant.
Genome position (GRCh38, 1-based): chr6:32,065,054-32,065,057, CTCA deleted on the plus strand (TGAG on the coding strand, the reverse complement: TNXB is on the minus strand); deleting any 4 consecutive bases within chr6:32,065,054-32,065,059 gives the same sequence; the c. name uses the placement nearest the transcript's 3' end. VCF-style (leftmost placement, unchanged base first): chr6-32065053-TCTCA-T. GRCh37 (hg19) VCF-style: chr6-32032830-TCTCA-T.
Other names: c.7346_7349del, p.Val2449fs (NM_001428335.1); c.6605_6608del, p.Val2202fs (NM_019105.8); short protein forms V2449fs, V2202fs.
Identifiers: ClinVar variation 3358300 (VCV003358300.2).

ClinVar aggregate classification (germline): Pathogenic. Review status: criteria provided, single submitter (1 of 4 stars). 2 submissions from 2 submitters: Pathogenic (1). 1 of the submissions does not count toward it. Last evaluated 2025-12-04.

Conditions:
Ehlers-Danlos syndrome due to tenascin-X deficiency (EDSCLL1). Also called: EDS DUE TO TNX DEFICIENCY; TNX DEFICIENCY; EHLERS-DANLOS SYNDROME, CLASSIC-LIKE; Ehlers-Danlos syndrome, classic-like, 1; TNXB-Related Classical-Like Ehlers-Danlos Syndrome. Identifiers: Orphanet 230839, MedGen C1848029, MONDO:0011670, OMIM 606408.
TNXB-related disorder. Also called: TNXB-related condition.

Submissions (2):

Myriad Genetics, Inc.
Classification: Pathogenic for Ehlers-Danlos syndrome due to tenascin-X deficiency. Last evaluated: 2025-12-04. Review status: criteria provided, single submitter. Criteria: Myriad Autosomal Dominant, Autosomal Recessive and X-Linked Classification Criteria (2023). Collection method: clinical testing. Allele origin: unknown.
Comment: NM_019105.6(TNXB):c.6605_6608delTGAG(V2202Efs*58) is expected to be pathogenic in the context of classical-like Ehlers-Danlos syndrome, TNXB-related. This variant is predicted to lead to an abnormal or absent protein product due to the creation of a premature termination codon in TNXB, a gene where loss-of-function variants are known to be pathogenic. Please note: this variant was assessed in the context of healthy population screening.

PreventionGenetics, part of Exact Sciences
Classification: Pathogenic for TNXB-related condition. Last evaluated: 2024-04-01. Review status: no assertion criteria provided. Collection method: clinical testing. Allele origin: germline. Not counted in ClinVar's aggregate classification.
Comment: The TNXB c.6605_6608delTGAG variant is predicted to result in a frameshift and premature protein termination (p.Val2202Glufs*58). To our knowledge, this variant has not been reported in the literature. This variant is reported in 0.011% of alleles in individuals of African descent in gnomAD. Frameshift variants in TNXB are expected to be pathogenic. This variant is interpreted as pathogenic for autosomal recessive classic-like Ehlers-Danlos syndrome (EDS).